The following is an entry in ClinVar:

NM_004304.5(ALK):c.1781A>G (p.Gln594Arg)

Gene: ALK (ALK receptor tyrosine kinase; minus strand). Cytogenetic location: 2p23.2.
Variant type: single nucleotide variant.
Coding change: c.1781A>G on transcript NM_004304.5 (MANE Select); coding-DNA position 1781, A replaced by G.
Protein change: p.Gln594Arg; replaces glutamine 594 with arginine.
Molecular consequence: missense variant.
Genome position (GRCh38, 1-based): chr2:29,296,924, T>C on the plus strand (A>G on the coding strand, the complement: ALK is on the minus strand). VCF-style: chr2-29296924-T-C. GRCh37 (hg19) VCF-style: chr2-29519790-T-C.
Other names: short protein forms Q594R.
Identifiers: ClinVar variation 1780001 (VCV001780001.8), dbSNP rs2465371699, ClinGen allele CA346465973.

ClinVar aggregate classification (germline): Uncertain significance. Review status: criteria provided, multiple submitters, no conflicts (2 of 4 stars). 2 submissions from 2 submitters: Uncertain significance (2). Last evaluated 2025-09-23.

Conditions:
Hereditary cancer-predisposing syndrome. Also called: Tumor predisposition; Neoplastic Syndromes, Hereditary; Hereditary Cancer Syndrome; Hereditary neoplastic syndrome. Identifiers: Orphanet 140162, MedGen C0027672, MeSH D009386, MONDO:0015356.
Neuroblastoma, susceptibility to, 3. Also called: ALK-Related Neuroblastic Tumor Susceptibility. Identifiers: Orphanet 635, MedGen C2751681, MONDO:0013083, OMIM 613014.

Allele frequency attached by ClinVar (database versions not stated): gnomAD exomes below 0.00001.
gnomAD v4.1: 6 of 1,614,196 alleles (0.00037%); highest among the groups gnomAD compares: Non-Finnish European, 0.00051%; no homozygotes.

Submissions (2):

Labcorp Genetics (formerly Invitae), Labcorp
Classification: Uncertain significance for Neuroblastoma, susceptibility to, 3. Last evaluated: 2025-09-23. Review status: criteria provided, single submitter. Criteria: Invitae Variant Classification Sherloc (09022015). Collection method: clinical testing. Allele origin: germline.
Comment: This sequence change replaces glutamine, which is neutral and polar, with arginine, which is basic and polar, at codon 594 of the ALK protein (p.Gln594Arg). This variant is not present in population databases (gnomAD no frequency). This variant has not been reported in the literature in individuals affected with ALK-related conditions. ClinVar contains an entry for this variant (Variation ID: 1780001). An algorithm developed to predict the effect of missense changes on protein structure and function (PolyPhen-2) suggests that this variant is likely to be tolerated. In summary, the available evidence is currently insufficient to determine the role of this variant in disease. Therefore, it has been classified as a Variant of Uncertain Significance.

Ambry Genetics
Classification: Uncertain significance for Hereditary cancer-predisposing syndrome. Last evaluated: 2024-07-31. Review status: criteria provided, single submitter. Criteria: Ambry Variant Classification Scheme 2023. Collection method: clinical testing. Allele origin: germline.
Comment: The p.Q594R variant (also known as c.1781A>G), located in coding exon 9 of the ALK gene, results from an A to G substitution at nucleotide position 1781. The glutamine at codon 594 is replaced by arginine, an amino acid with highly similar properties. This amino acid position is conserved. In addition, this alteration is predicted to be tolerated by in silico analysis. Since supporting evidence is limited at this time, the clinical significance of this alteration remains unclear.